The following is an entry in ClinVar:

ClinVar aggregate classification (germline): Uncertain significance (1 of 4 stars; one submission).

Conditions:
CBS-related disorder. Also called: CBS-related condition.

Submission:

PreventionGenetics, part of Exact Sciences
Classification: Uncertain significance for CBS-related condition. Last evaluated: 2025-12-31. Review status: criteria provided, single submitter. Criteria: ACMG Guidelines, 2015. Collection method: clinical testing. Allele origin: germline.
Comment: The CBS c.1650G>C variant is predicted to result in the amino acid substitution p.Gln550His. To our knowledge, this variant has not been reported in the literature or in a large population database (gnomAD), indicating this variant is rare. At this time, the clinical significance of this variant is uncertain due to the absence of conclusive functional and genetic evidence.

NM_000071.3(CBS):c.1650G>C (p.Gln550His)

Gene: CBS (cystathionine beta-synthase; minus strand). Cytogenetic location: 21q22.3.
Variant type: single nucleotide variant.
Coding change: c.1650G>C on transcript NM_000071.3 (MANE Select); coding-DNA position 1650, G replaced by C.
Protein change: p.Gln550His; replaces glutamine 550 with histidine.
Molecular consequence: missense variant.
Genome position (GRCh38, 1-based): chr21:43,053,886, C>G on the plus strand (G>C on the coding strand, the complement: CBS is on the minus strand). VCF-style: chr21-43053886-C-G. GRCh37 (hg19) VCF-style: chr21-44473996-C-G.
Other names: c.1650G>C, p.Gln550His (NM_001178008.3, NM_001178009.3, NM_001320298.2); c.1335G>C, p.Gln445His (NM_001321072.1); short protein forms Q445H, Q550H.
Identifiers: ClinVar variation 4994264 (VCV004994264.1).
Genomic context (GRCh38, chr21:43,053,886, plus strand): 5'-GGAGAAGTGGGCAAGGGTGGCGGGCCCGCTCCGCACCGCCCAGCGCTCCGGACTTCACTT[C>G]TGGTCCCGCTCCTGGGCGGCCACGAAGTTCAGCAAGTCAATGGCGGTGACCACCCCGAAC-3'
Protein context (NP_000062.1, residues 540-551): LNFVAAQERD[Gln550His]K